The following is an entry in ClinVar:

NM_001005242.3(PKP2):c.2195C>T (p.Ser732Phe)

Gene: PKP2 (plakophilin 2; minus strand). Cytogenetic location: 12p11.21.
Variant type: single nucleotide variant.
Coding change: c.2195C>T on transcript NM_001005242.3 (MANE Select); coding-DNA position 2195, C replaced by T.
Protein change: p.Ser732Phe; replaces serine 732 with phenylalanine.
Molecular consequence: missense variant.
Genome position (GRCh38, 1-based): chr12:32,796,271, G>A on the plus strand (C>T on the coding strand, the complement: PKP2 is on the minus strand). VCF-style: chr12-32796271-G-A. GRCh37 (hg19) VCF-style: chr12-32949205-G-A.
Other names: c.2030C>T, p.Ser677Phe (NM_001407156.1); c.1868C>T, p.Ser623Phe (NM_001407158.1, NM_001407159.1); c.2327C>T, p.Ser776Phe (NM_004572.4); short protein forms S623F, S677F, S732F, S776F.
Identifiers: ClinVar variation 2124467 (VCV002124467.5), dbSNP rs2541190384, ClinGen allele CA384357918.
Genomic context (GRCh38, chr12:32,796,271, plus strand): 5'-CAGGCAGAGGCTGTAGTTTCAATGAGAAGGTCAGTACTCGGGACTGTGTCAGGAATGATG[G>A]AAACCAAATCAGGGAGAGTTTCTTTGGCTACAAAATGAAAAAAAAAACAAAACACTTGAT-3'
Protein context (NP_001005242.2, residues 722-742): IAKETLPDLV[Ser732Phe]IIPDTVPSTD

ClinVar aggregate classification (germline): Uncertain significance. Review status: criteria provided, multiple submitters, no conflicts (2 of 4 stars). 2 submissions from 2 submitters: Uncertain significance (2). Last evaluated 2022-04-11.

Conditions:
Arrhythmogenic right ventricular dysplasia 9 (ARVD9). Also called: ARRHYTHMOGENIC RIGHT VENTRICULAR DYSPLASIA, FAMILIAL, 9; Arrhythmogenic Right Ventricular Dysplasia/Cardiomyopathy 9. Identifiers: MedGen C1836906, MONDO:0012180, OMIM 609040.

Submissions (2):

Labcorp Genetics (formerly Invitae), Labcorp
Classification: Uncertain significance for Arrhythmogenic right ventricular dysplasia 9. Last evaluated: 2022-04-11. Review status: criteria provided, single submitter. Criteria: Invitae Variant Classification Sherloc (09022015). Collection method: clinical testing. Allele origin: germline.
Comment: This sequence change replaces serine, which is neutral and polar, with phenylalanine, which is neutral and non-polar, at codon 776 of the PKP2 protein (p.Ser776Phe). This variant is not present in population databases (gnomAD no frequency). This variant has not been reported in the literature in individuals affected with PKP2-related conditions. Algorithms developed to predict the effect of missense changes on protein structure and function are either unavailable or do not agree on the potential impact of this missense change (SIFT: "Deleterious"; PolyPhen-2: "Probably Damaging"; Align-GVGD: "Class C0"). In summary, the available evidence is currently insufficient to determine the role of this variant in disease. Therefore, it has been classified as a Variant of Uncertain Significance.

Blueprint Genetics
Classification: Uncertain significance. Last evaluated: 2021-07-16. Review status: criteria provided, single submitter. Criteria: ACMG Guidelines, 2015. Collection method: clinical testing. Allele origin: germline.